The following is an entry in ClinVar:

ClinVar aggregate classification (germline): Uncertain significance. Review status: criteria provided, multiple submitters, no conflicts (2 of 4 stars). 2 submissions from 2 submitters: Uncertain significance (2). Last evaluated 2024-07-10.

Conditions:
BRCA2-related cancer predisposition. Identifiers: MedGen CN377758, MONDO:0700269.
Hereditary breast ovarian cancer syndrome. Also called: Hereditary breast and ovarian cancer syndrome; Hereditary breast and/or ovarian cancer syndrome; BRCA1- and BRCA2-Associated Hereditary Breast and Ovarian Cancer; Hereditary breast and ovarian cancer syndrome (HBOC); Hereditary breast and ovarian cancer; Breast and ovarian cancer. Identifiers: Orphanet 145, MedGen C0677776, MeSH D061325, MONDO:0003582. Disease mechanism: loss of function.

Submissions (2):

All of Us Research Program, National Institutes of Health
Classification: Uncertain significance for BRCA2-related cancer predisposition. Last evaluated: 2024-07-10. Review status: criteria provided, single submitter. Criteria: ACMG Guidelines, 2015. Collection method: clinical testing. Allele origin: germline. Inheritance: Autosomal dominant inheritance. Observed: 1 variant allele, 1 heterozygote.
Comment: This missense variant replaces asparagine with isoleucine at codon 3407 of the BRCA2 protein. Computational prediction suggests that this variant may not impact protein structure and function (internally defined REVEL score threshold <= 0.5, PMID: 27666373). To our knowledge, functional studies have not been reported for this variant. This variant has not been reported in individuals affected with BRCA2-related disorders in the literature. This variant has not been identified in the general population by the Genome Aggregation Database (gnomAD). The available evidence is insufficient to determine the role of this variant in disease conclusively. Therefore, this variant is classified as a Variant of Uncertain Significance.

This study involves interpretation of variants in research participants for the purpose of population health screening. Participant phenotype was not available at the time of variant classification. Additional details can be found in publication PMID: 35346344, PMCID: PMC8962531

Labcorp Genetics (formerly Invitae), Labcorp
Classification: Uncertain significance for Hereditary breast ovarian cancer syndrome. Last evaluated: 2023-05-01. Review status: criteria provided, single submitter. Criteria: Invitae Variant Classification Sherloc (09022015). Collection method: clinical testing. Allele origin: germline.
Comment: This sequence change replaces asparagine, which is neutral and polar, with isoleucine, which is neutral and non-polar, at codon 3407 of the BRCA2 protein (p.Asn3407Ile). This variant is not present in population databases (gnomAD no frequency). This variant has not been reported in the literature in individuals affected with BRCA2-related conditions. Advanced modeling of protein sequence and biophysical properties (such as structural, functional, and spatial information, amino acid conservation, physicochemical variation, residue mobility, and thermodynamic stability) performed at Invitae indicates that this missense variant is not expected to disrupt BRCA2 protein function. In summary, the available evidence is currently insufficient to determine the role of this variant in disease. Therefore, it has been classified as a Variant of Uncertain Significance.

NM_000059.4(BRCA2):c.10220A>T (p.Asn3407Ile)

Gene: BRCA2 (BRCA2 DNA repair associated; plus strand). Cytogenetic location: 13q13.1.
Variant type: single nucleotide variant.
Coding change: c.10220A>T on transcript NM_000059.4 (MANE Select); coding-DNA position 10220, A replaced by T.
Protein change: p.Asn3407Ile; replaces asparagine 3407 with isoleucine.
Molecular consequence: missense variant. On other transcripts: non-coding transcript variant (1).
Genome position (GRCh38, 1-based): chr13:32,398,733, A>T. VCF-style: chr13-32398733-A-T. GRCh37 (hg19) VCF-style: chr13-32972870-A-T.
Other names: c.10124A>T, p.Asn3375Ile (NM_001406719.1); c.10169A>T, p.Asn3390Ile (NM_001406720.1); c.5288A>T, p.Asn1763Ile (NM_001406721.1); c.3803A>T, p.Asn1268Ile (NM_001406722.1); short protein forms N1268I, N3375I, N3407I, N1763I, N3390I.
Identifiers: ClinVar variation 2861037 (VCV002861037.4), dbSNP rs80358401, ClinGen allele CA387768522.